The following is an entry in ClinVar:

NM_178140.4(PDZD2):c.822G>T (p.Lys274Asn)

Gene: PDZD2 (PDZ domain containing 2; plus strand). Cytogenetic location: 5p13.3.
Variant type: single nucleotide variant.
Coding change: c.822G>T on transcript NM_178140.4 (MANE Select); coding-DNA position 822, G replaced by T.
Protein change: p.Lys274Asn; replaces lysine 274 with asparagine.
Molecular consequence: missense variant.
Genome position (GRCh38, 1-based): chr5:31,983,500, G>T. VCF-style: chr5-31983500-G-T. GRCh37 (hg19) VCF-style: chr5-31983606-G-T.
Other names: short protein forms K274N.
Identifiers: ClinVar variation 3345346 (VCV003345346.1).
Genomic context (GRCh38, chr5:31,983,500, plus strand): 5'-TGACCCTGAACTTGGAAACGGCCATGTCTTTCAGCTAGAAAATGGCCCAGATTCTCTCAA[G>T]GAGGTGGCTGGACCCCATCTAGAGAGGTCAGAAGTGGACAGAGGGACAGAGCATAGAATT-3'
Protein context (NP_835260.2, residues 264-284): FQLENGPDSL[Lys274Asn]EVAGPHLERS

ClinVar aggregate classification (germline): Uncertain significance (0 of 4 stars; one submission).

Conditions:
PDZD2-related disorder. Also called: PDZD2-related condition.

Submission:

PreventionGenetics, part of Exact Sciences
Classification: Uncertain significance for PDZD2-related condition. Last evaluated: 2024-07-11. Review status: no assertion criteria provided. Collection method: clinical testing. Allele origin: germline.
Comment: The PDZD2 c.822G>T variant is predicted to result in the amino acid substitution p.Lys274Asn. To our knowledge, this variant has not been reported in the literature or in a large population database, indicating this variant is rare. At this time, the clinical significance of this variant is uncertain due to the absence of conclusive functional and genetic evidence.